The following is an entry in ClinVar:

NM_001370466.1(NOD2):c.2123C>T (p.Ala708Val)

Gene: NOD2 (nucleotide binding oligomerization domain containing 2; plus strand). Cytogenetic location: 16q12.1.
Variant type: single nucleotide variant.
Coding change: c.2123C>T on transcript NM_001370466.1 (MANE Select); coding-DNA position 2123, C replaced by T.
Protein change: p.Ala708Val; replaces alanine 708 with valine.
Molecular consequence: missense variant. On other transcripts: non-coding transcript variant (1).
Genome position (GRCh38, 1-based): chr16:50,712,115, C>T. VCF-style: chr16-50712115-C-T. GRCh37 (hg19) VCF-style: chr16-50746026-C-T.
Other names: c.2123C>T, p.Ala708Val (NM_001293557.2); c.2204C>T, p.Ala735Val (NM_022162.3); short protein forms A735V, A708V.
Identifiers: ClinVar variation 2940111 (VCV002940111.3), dbSNP rs139097081, ClinGen allele CA8051722.

ClinVar aggregate classification (germline): Uncertain significance (1 of 4 stars; one submission).

Conditions:
Regional enteritis. Also called: Enteritis, Granulomatous. Identifiers: MedGen C0678202, MeSH D003424.
Blau syndrome (BLAUS). Also called: ARTHROCUTANEOUVEAL GRANULOMATOSIS; GRANULOMATOSIS, FAMILIAL JUVENILE SYSTEMIC; GRANULOMATOSIS, FAMILIAL, BLAU TYPE; GRANULOMATOUS INFLAMMATORY ARTHRITIS, DERMATITIS, AND UVEITIS, FAMILIAL; JABS SYNDROME. Identifiers: Orphanet 90340, MedGen C5201146, MONDO:0008523, OMIM 186580.

Allele frequency attached by ClinVar (database versions not stated): gnomAD exomes 0.00001; ExAC 0.00002; ESP Exome Variant Server 0.00008.
gnomAD v4.1: 8 of 1,614,006 alleles (0.0005%); highest among the groups gnomAD compares: Non-Finnish European, 0.00051%; no homozygotes.

Submission:

Labcorp Genetics (formerly Invitae), Labcorp
Classification: Uncertain significance for Regional enteritis; Blau syndrome. Last evaluated: 2024-01-01. Review status: criteria provided, single submitter. Criteria: Invitae Variant Classification Sherloc (09022015). Collection method: clinical testing. Allele origin: germline.
Comment: This sequence change replaces alanine, which is neutral and non-polar, with valine, which is neutral and non-polar, at codon 735 of the NOD2 protein (p.Ala735Val). This variant is present in population databases (rs139097081, gnomAD 0.002%). This variant has not been reported in the literature in individuals affected with NOD2-related conditions. Advanced modeling of protein sequence and biophysical properties (such as structural, functional, and spatial information, amino acid conservation, physicochemical variation, residue mobility, and thermodynamic stability) performed at Invitae indicates that this missense variant is not expected to disrupt NOD2 protein function with a negative predictive value of 95%. In summary, the available evidence is currently insufficient to determine the role of this variant in disease. Therefore, it has been classified as a Variant of Uncertain Significance.